The following is an entry in ClinVar:

ClinVar aggregate classification (germline): Uncertain significance (1 of 4 stars; one submission).

Conditions:
Developmental and epileptic encephalopathy, 12 (DEE12). Identifiers: MedGen C3150988, MONDO:0013389, OMIM 613722.

Allele frequency attached by ClinVar (database versions not stated): gnomAD exomes below 0.00001.
gnomAD v4.1: 1 of 1,612,480 alleles (0.000062%); highest among the groups gnomAD compares: South Asian, 0.0011%; no homozygotes.

Submission:

Labcorp Genetics (formerly Invitae), Labcorp
Classification: Uncertain significance for Developmental and epileptic encephalopathy, 12. Last evaluated: 2022-04-19. Review status: criteria provided, single submitter. Criteria: Invitae Variant Classification Sherloc (09022015). Collection method: clinical testing. Allele origin: germline.
Comment: This sequence change replaces aspartic acid, which is acidic and polar, with asparagine, which is neutral and polar, at codon 305 of the PNKP protein (p.Asp305Asn). This variant is not present in population databases (gnomAD no frequency). This variant has not been reported in the literature in individuals affected with PNKP-related conditions. Algorithms developed to predict the effect of missense changes on protein structure and function are either unavailable or do not agree on the potential impact of this missense change (SIFT: "Deleterious"; PolyPhen-2: "Probably Damaging"; Align-GVGD: "Class C15"). In summary, the available evidence is currently insufficient to determine the role of this variant in disease. Therefore, it has been classified as a Variant of Uncertain Significance.

NM_007254.4(PNKP):c.913G>A (p.Asp305Asn)

Gene: PNKP (polynucleotide kinase 3'-phosphatase; minus strand). Cytogenetic location: 19q13.33.
Variant type: single nucleotide variant.
Coding change: c.913G>A on transcript NM_007254.4 (MANE Select); coding-DNA position 913, G replaced by A.
Protein change: p.Asp305Asn; replaces aspartic acid 305 with asparagine.
Molecular consequence: missense variant.
Genome position (GRCh38, 1-based): chr19:49,862,561, C>T on the plus strand (G>A on the coding strand, the complement: PNKP is on the minus strand). VCF-style: chr19-49862561-C-T. GRCh37 (hg19) VCF-style: chr19-50365818-C-T.
Other names: short protein forms D305N.
Identifiers: ClinVar variation 2157796 (VCV002157796.4), dbSNP rs2514636671, ClinGen allele CA406881919.
Genomic context (GRCh38, chr19:49,862,561, plus strand): 5'-TCGGGCTCGGGCGCGGGGCAGGGGGCAGGGGCCTCACCAGGCGATCGGCGCAGGAGAAGT[C>T]TTTCTTCTTCCGCCCCGGGGCCCAGTTGGCCGGGCGTCCGGCTGCGTCTGGAACACACGG-3'
Protein context (NP_009185.2, residues 295-315): ANWAPGRKKK[Asp305Asn]FSCADRLFAL